The following is an entry in ClinVar:

ClinVar aggregate classification (germline): Uncertain significance (1 of 4 stars; one submission).

Submission:

Labcorp Genetics (formerly Invitae), Labcorp
Classification: Uncertain significance. Last evaluated: 2025-05-08. Review status: criteria provided, single submitter. Criteria: Invitae Variant Classification Sherloc (09022015). Collection method: clinical testing. Allele origin: germline.
Comment: This sequence change replaces phenylalanine, which is neutral and non-polar, with tyrosine, which is neutral and polar, at codon 140 of the NUP62 protein (p.Phe140Tyr). This variant is not present in population databases (gnomAD no frequency). This variant has not been reported in the literature in individuals affected with NUP62-related conditions. An algorithm developed to predict the effect of missense changes on protein structure and function (PolyPhen-2) suggests that this variant is likely to be disruptive. In summary, the available evidence is currently insufficient to determine the role of this variant in disease. Therefore, it has been classified as a Variant of Uncertain Significance.

NM_016553.5(NUP62):c.419T>A (p.Phe140Tyr)

Genes: IL4I1 (interleukin 4 induced 1; minus strand), NUP62 (nucleoporin 62; minus strand). Cytogenetic location: 19q13.33.
Variant type: single nucleotide variant.
Coding change: c.419T>A on transcript NM_016553.5 (MANE Select); coding-DNA position 419, T replaced by A.
Protein change: p.Phe140Tyr; replaces phenylalanine 140 with tyrosine.
Molecular consequence: missense variant. On other transcripts: intron variant (3).
Genome position (GRCh38, 1-based): chr19:49,909,389, A>T on the plus strand (T>A on the coding strand, the complement: NUP62 is on the minus strand). VCF-style: chr19-49909389-A-T. GRCh37 (hg19) VCF-style: chr19-50412646-A-T.
Other names: c.419T>A, p.Phe140Tyr (NM_001193357.2, NM_012346.5, NM_153718.4 and 1 more transcripts); c.-227-5068T>A (NM_001258017.2, NM_172374.3); c.-285-5068T>A (NM_001258018.2); short protein forms F140Y.
Identifiers: ClinVar variation 4781426 (VCV004781426.1).